The following is an entry in ClinVar:

ClinVar aggregate classification (germline): Uncertain significance (1 of 4 stars; one submission).

Submission:

GeneDx
Classification: Uncertain significance. Last evaluated: 2022-10-18. Review status: criteria provided, single submitter. Criteria: GeneDx Variant Classification Process June 2021. Collection method: clinical testing. Allele origin: germline. Affected: yes.
Comment: Not observed at significant frequency in large population cohorts (gnomAD); In silico analysis supports that this missense variant has a deleterious effect on protein structure/function; Has not been previously published as pathogenic or benign to our knowledge

NM_003070.5(SMARCA2):c.1014C>A (p.Asp338Glu)

Gene: SMARCA2 (SWI/SNF related BAF chromatin remodeling complex subunit ATPase 2; plus strand). Cytogenetic location: 9p24.3.
Variant type: single nucleotide variant.
Coding change: c.1014C>A on transcript NM_003070.5 (MANE Select); coding-DNA position 1014, C replaced by A.
Protein change: p.Asp338Glu; replaces aspartic acid 338 with glutamic acid.
Molecular consequence: missense variant.
Genome position (GRCh38, 1-based): chr9:2,047,452, C>A. VCF-style: chr9-2047452-C-A. GRCh37 (hg19) VCF-style: chr9-2047452-C-A.
Other names: c.1014C>A, p.Asp338Glu (NM_001289396.2, NM_001289397.2, NM_139045.4); short protein forms D338E.
Identifiers: ClinVar variation 2499884 (VCV002499884.1), dbSNP rs766977472, ClinGen allele CA372781155.